The following is an entry in ClinVar:

ClinVar aggregate classification (germline): Uncertain significance (1 of 4 stars; one submission).

Submission:

GeneDx
Classification: Uncertain significance. Last evaluated: 2021-07-29. Review status: criteria provided, single submitter. Criteria: GeneDx Variant Classification Process June 2021. Collection method: clinical testing. Allele origin: germline. Affected: yes.
Comment: Not observed at significant frequency in large population cohorts (Lek et al., 2016); In silico analysis supports that this missense variant has a deleterious effect on protein structure/function; This variant is associated with the following publications: (PMID: 29208051)

NM_021978.4(ST14):c.1444G>A (p.Asp482Asn)

Gene: ST14 (ST14 transmembrane serine protease matriptase; plus strand). Cytogenetic location: 11q24.3.
Variant type: single nucleotide variant.
Coding change: c.1444G>A on transcript NM_021978.4 (MANE Select); coding-DNA position 1444, G replaced by A.
Protein change: p.Asp482Asn; replaces aspartic acid 482 with asparagine.
Molecular consequence: missense variant.
Genome position (GRCh38, 1-based): chr11:130,197,930, G>A. VCF-style: chr11-130197930-G-A. GRCh37 (hg19) VCF-style: chr11-130067825-G-A.
Other names: short protein forms D482N.
Identifiers: ClinVar variation 1254294 (VCV001254294.2), dbSNP rs1417064864, ClinGen allele CA383315412.